The following is an entry in ClinVar:

NM_201384.3(PLEC):c.112+173G>A

Gene: PLEC (plectin; minus strand). Cytogenetic location: 8q24.3.
Variant type: single nucleotide variant.
Coding change: c.112+173G>A on transcript NM_201384.3 (MANE Select); 173 bases into the intron after coding-DNA position 112, G replaced by A.
Molecular consequence: intron variant.
Genome position (GRCh38, 1-based): chr8:143,939,177, C>T on the plus strand (G>A on the coding strand, the complement: PLEC is on the minus strand). VCF-style: chr8-143939177-C-T. GRCh37 (hg19) VCF-style: chr8-145013345-C-T.
Other names: c.194-485G>A (NM_000445.5); c.71-485G>A (NM_201378.4); c.47-485G>A (NM_201379.3); c.524-485G>A (NM_201380.4); c.17-485G>A (NM_201381.3); c.113-485G>A (NM_201382.4); c.125-485G>A (NM_201383.3).
Identifiers: ClinVar variation 667877 (VCV000667877.2), dbSNP rs11136339, ClinGen allele CA12780817.

ClinVar aggregate classification (germline): Benign. Review status: criteria provided, multiple submitters, no conflicts (2 of 4 stars). 2 submissions from 2 submitters: Benign (2). Last evaluated 2018-06-19.

Allele frequency attached by ClinVar (database versions not stated): 1000 Genomes Project 0.23762; 1000 Genomes Project 30x 0.23876; TOPMed 0.28385; gnomAD 0.30000 and 0.30101.
gnomAD v4.1: 45,965 of 152,174 alleles (30%); highest among the groups gnomAD compares: Non-Finnish European, 39%; 8,121 homozygotes.

Submissions (2):

GeneDx
Classification: Benign. Last evaluated: 2018-06-19. Review status: criteria provided, single submitter. Criteria: GeneDx Variant Classification (06012015). Collection method: clinical testing. Allele origin: germline. Affected: yes.
Comment: This variant is considered likely benign or benign based on one or more of the following criteria: it is a conservative change, it occurs at a poorly conserved position in the protein, it is predicted to be benign by multiple in silico algorithms, and/or has population frequency not consistent with disease.

Breakthrough Genomics
Classification: Benign. Review status: criteria provided, single submitter. Criteria: ACMG Guidelines, 2015. Collection method: not provided. Allele origin: germline. Inheritance: Autosomal recessive inheritance. Affected: yes.